The following is an entry in ClinVar:

NM_024301.5(FKRP):c.782G>A (p.Gly261Glu)

Gene: FKRP (fukutin related protein; plus strand). Cytogenetic location: 19q13.32.
Variant type: single nucleotide variant.
Coding change: c.782G>A on transcript NM_024301.5 (MANE Select); coding-DNA position 782, G replaced by A.
Protein change: p.Gly261Glu; replaces glycine 261 with glutamic acid.
Molecular consequence: missense variant.
Genome position (GRCh38, 1-based): chr19:46,756,232, G>A. VCF-style: chr19-46756232-G-A. GRCh37 (hg19) VCF-style: chr19-47259489-G-A.
Other names: c.782G>A, p.Gly261Glu (NM_001039885.3); short protein forms G261E.
Identifiers: ClinVar variation 2566781 (VCV002566781.2), dbSNP rs2513992052, ClinGen allele CA406496006.

ClinVar aggregate classification (germline): Uncertain significance (1 of 4 stars; one submission).

Conditions:
Cardiovascular phenotype. Identifiers: MedGen CN230736.

Allele frequency attached by ClinVar (database versions not stated): gnomAD exomes 0.00001.

Submission:

Ambry Genetics
Classification: Uncertain significance for Cardiovascular phenotype. Last evaluated: 2023-06-04. Review status: criteria provided, single submitter. Criteria: Ambry Variant Classification Scheme 2023. Collection method: clinical testing. Allele origin: germline.
Comment: The p.G261E variant (also known as c.782G>A), located in coding exon 1 of the FKRP gene, results from a G to A substitution at nucleotide position 782. The glycine at codon 261 is replaced by glutamic acid, an amino acid with similar properties. This amino acid position is conserved. In addition, the in silico prediction for this alteration is inconclusive. Since supporting evidence is limited at this time, the clinical significance of this alteration remains unclear.